The following is an entry in ClinVar:

NM_001999.4(FBN2):c.80C>T (p.Ala27Val)

Gene: FBN2 (fibrillin 2; minus strand). Cytogenetic location: 5q23.3.
Variant type: single nucleotide variant.
Coding change: c.80C>T on transcript NM_001999.4 (MANE Select); coding-DNA position 80, C replaced by T.
Protein change: p.Ala27Val; replaces alanine 27 with valine.
Molecular consequence: missense variant.
Genome position (GRCh38, 1-based): chr5:128,537,524, G>A on the plus strand (C>T on the coding strand, the complement: FBN2 is on the minus strand). VCF-style: chr5-128537524-G-A. GRCh37 (hg19) VCF-style: chr5-127873217-G-A.
Other names: short protein forms A27V.
Identifiers: ClinVar variation 2793611 (VCV002793611.4), dbSNP rs1188867955, ClinGen allele CA360763050.
Genomic context (GRCh38, chr5:128,537,524, plus strand): 5'-ACCTGTTGCGGCGGCGGCTGGGGCCGGGGCGGCTTGGGCGGAGGAGGCTGAGGCTGGCCG[G>A]CCGTGCCCTGCGCCCAGAGCACCACACAGCCCAGCCACAGGAAGTAGAGCTGGAGACACA-3'
Protein context (NP_001990.2, residues 17-37): GCVVLWAQGT[Ala27Val]GQPQPPPPKP

ClinVar aggregate classification (germline): Uncertain significance. Review status: criteria provided, multiple submitters, no conflicts (2 of 4 stars). 2 submissions from 2 submitters: Uncertain significance (2). Last evaluated 2023-09-29.

Conditions:
Congenital contractural arachnodactyly (CCA). Also called: BEALS SYNDROME; Beals-Hecht syndrome; Arthrogryposis, distal, type 9. Identifiers: Orphanet 115, MedGen C0220668, MONDO:0007363, OMIM 121050.

gnomAD v4.1: 2 of 1,578,840 alleles (0.00013%); highest among the groups gnomAD compares: East Asian, 0.0023%; no homozygotes.

Submissions (2):

Labcorp Genetics (formerly Invitae), Labcorp
Classification: Uncertain significance for Congenital contractural arachnodactyly. Last evaluated: 2023-09-29. Review status: criteria provided, single submitter. Criteria: Invitae Variant Classification Sherloc (09022015). Collection method: clinical testing. Allele origin: germline.
Comment: This sequence change replaces alanine, which is neutral and non-polar, with valine, which is neutral and non-polar, at codon 27 of the FBN2 protein (p.Ala27Val). This variant is not present in population databases (gnomAD no frequency). This variant has not been reported in the literature in individuals affected with FBN2-related conditions. Advanced modeling of protein sequence and biophysical properties (such as structural, functional, and spatial information, amino acid conservation, physicochemical variation, residue mobility, and thermodynamic stability) performed at Invitae indicates that this missense variant is not expected to disrupt FBN2 protein function. In summary, the available evidence is currently insufficient to determine the role of this variant in disease. Therefore, it has been classified as a Variant of Uncertain Significance.

Blueprint Genetics
Classification: Uncertain significance. Last evaluated: 2023-03-24. Review status: criteria provided, single submitter. Criteria: ACMG Guidelines, 2015. Collection method: clinical testing. Allele origin: germline.